The following is an entry in ClinVar:

NM_018714.3(COG1):c.2233G>A (p.Val745Ile)

Genes: COG1 (component of oligomeric golgi complex 1; plus strand), LOC125316790 (Sharpr-MPRA regulatory region 2581; plus strand). Cytogenetic location: 17q25.1.
Variant type: single nucleotide variant.
Coding change: c.2233G>A on transcript NM_018714.3 (MANE Select); coding-DNA position 2233, G replaced by A.
Protein change: p.Val745Ile; replaces valine 745 with isoleucine.
Molecular consequence: missense variant.
Genome position (GRCh38, 1-based): chr17:73,203,644, G>A. VCF-style: chr17-73203644-G-A. GRCh37 (hg19) VCF-style: chr17-71199783-G-A.
Other names: short protein forms V745I.
Identifiers: ClinVar variation 1408686 (VCV001408686.7), dbSNP rs2061356029, ClinGen allele CA400895573.
Genomic context (GRCh38, chr17:73,203,644, plus strand): 5'-CATTTAATTGGTGCAAGTTGGCAATGTGACATTTCTTTGTTCTTTTAGCCGTCCTGGTAT[G>A]TACAGTCCTTCCTGTTTAGTTTATGCCAGGAAATTAATCGGGTTGGAGGCCATGCCTTGC-3'
Protein context (NP_061184.1, residues 735-755): IRLPAQPSWY[Val745Ile]QSFLFSLCQE

ClinVar aggregate classification (germline): Uncertain significance (1 of 4 stars; one submission).

Conditions:
COG1 congenital disorder of glycosylation (CDG2G). Also called: CONGENITAL DISORDER OF GLYCOSYLATION, TYPE IIg; CDG IIg; CDGII/COG1 CEREBROCOSTOMANDIBULAR-LIKE SYNDROME. Identifiers: Orphanet 263508, MedGen C2931011, MONDO:0012637, OMIM 611209.

Allele frequency attached by ClinVar (database versions not stated): gnomAD exomes below 0.00001; TOPMed 0.00001.
gnomAD v4.1: 2 of 1,614,222 alleles (0.00012%); highest among the groups gnomAD compares: Admixed American, 0.0033%; no homozygotes.

Submission:

Labcorp Genetics (formerly Invitae), Labcorp
Classification: Uncertain significance for COG1 congenital disorder of glycosylation. Last evaluated: 2026-01-05. Review status: criteria provided, single submitter. Criteria: Invitae Variant Classification Sherloc (09022015). Collection method: clinical testing. Allele origin: germline.
Comment: This sequence change replaces valine, which is neutral and non-polar, with isoleucine, which is neutral and non-polar, at codon 745 of the COG1 protein (p.Val745Ile). This variant is not present in population databases (gnomAD no frequency). This variant has not been reported in the literature in individuals affected with COG1-related conditions. ClinVar contains an entry for this variant (Variation ID: 1408686). Invitae Evidence Modeling of protein sequence and biophysical properties (such as structural, functional, and spatial information, amino acid conservation, physicochemical variation, residue mobility, and thermodynamic stability) indicates that this missense variant is not expected to disrupt COG1 protein function with a negative predictive value of 80%. In summary, the available evidence is currently insufficient to determine the role of this variant in disease. Therefore, it has been classified as a Variant of Uncertain Significance.